The following is an entry in ClinVar:

NM_005585.5(SMAD6):c.536T>C (p.Leu179Pro)

Gene: SMAD6 (SMAD family member 6; plus strand). Cytogenetic location: 15q22.31.
Variant type: single nucleotide variant.
Coding change: c.536T>C on transcript NM_005585.5 (MANE Select); coding-DNA position 536, T replaced by C.
Protein change: p.Leu179Pro; replaces leucine 179 with proline.
Molecular consequence: missense variant. On other transcripts: non-coding transcript variant (1).
Genome position (GRCh38, 1-based): chr15:66,703,794, T>C. VCF-style: chr15-66703794-T-C. GRCh37 (hg19) VCF-style: chr15-66996132-T-C.
Other names: short protein forms L179P.
Identifiers: ClinVar variation 1464103 (VCV001464103.8), dbSNP rs1278620954, ClinGen allele CA392949742.
Genomic context (GRCh38, chr15:66,703,794, plus strand): 5'-GCGAAGCGCGCTCGCGGCTGCTGCTGCTGGAGCAGGAACTCAAAACCGTCACGTACTCGC[T>C]GCTGAAGCGGCTCAAGGAGCGCTCGCTGGACACGCTGCTGGAGGCGGTGGAGTCCCGCGG-3'
Protein context (NP_005576.3, residues 169-189): EQELKTVTYS[Leu179Pro]LKRLKERSLD

ClinVar aggregate classification (germline): Uncertain significance (1 of 4 stars; one submission).

Conditions:
Aortic valve disease 2 (AOVD2). Identifiers: MedGen C3542024, MONDO:0013902, OMIM 614823.

Allele frequency attached by ClinVar (database versions not stated): gnomAD exomes below 0.00001.
gnomAD v4.1: 3 of 1,442,194 alleles (0.00021%); highest among the groups gnomAD compares: Non-Finnish European, 0.00018%; no homozygotes.

Submission:

Labcorp Genetics (formerly Invitae), Labcorp
Classification: Uncertain significance for Aortic valve disease 2. Last evaluated: 2021-04-14. Review status: criteria provided, single submitter. Criteria: Invitae Variant Classification Sherloc (09022015). Collection method: clinical testing. Allele origin: germline.
Comment: This sequence change replaces leucine with proline at codon 179 of the SMAD6 protein (p.Leu179Pro). The leucine residue is highly conserved and there is a moderate physicochemical difference between leucine and proline. The frequency data for this variant in the population databases is considered unreliable, as metrics indicate insufficient coverage at this position in the ExAC database. This variant has not been reported in the literature in individuals with SMAD6-related conditions. Algorithms developed to predict the effect of missense changes on protein structure and function are either unavailable or do not agree on the potential impact of this missense change (SIFT: "Deleterious"; PolyPhen-2: "Probably Damaging"; Align-GVGD: "Class C0"). In summary, the available evidence is currently insufficient to determine the role of this variant in disease. Therefore, it has been classified as a Variant of Uncertain Significance.